The following is an entry in ClinVar:

NM_001005242.3(PKP2):c.958_979del (p.Thr320fs)

Gene: PKP2 (plakophilin 2; minus strand). Cytogenetic location: 12p11.21.
Variant type: Deletion.
Coding change: c.958_979del on transcript NM_001005242.3 (MANE Select); coding-DNA positions 958 to 979, 22 bases deleted (ACTGTCGGCCAGGCGGCCGCAG).
Protein change: p.Thr320fs; shifts the reading frame from threonine 320.
Molecular consequence: frameshift variant.
Genome position (GRCh38, 1-based): chr12:32,877,901-32,877,922, CTGCGGCCGCCTGGCCGACAGT deleted on the plus strand (ACTGTCGGCCAGGCGGCCGCAG on the coding strand, the reverse complement: PKP2 is on the minus strand); deleting any 22 consecutive bases within chr12:32,877,901-32,877,923 gives the same sequence; the c. name uses the placement nearest the transcript's 3' end. VCF-style (leftmost placement, unchanged base first): chr12-32877900-CCTGCGGCCGCCTGGCCGACAGT-C. GRCh37 (hg19) VCF-style: chr12-33030834-CCTGCGGCCGCCTGGCCGACAGT-C.
Other names: c.957_978del22, p.Thr320Glyfs (NM_001407155.1, NM_001407156.1, NM_001407157.1 and 1 more transcripts); c.630_651del22, p.Thr211Glyfs (NM_001407158.1, NM_001407159.1, NM_001407160.1 and 1 more transcripts); c.958_979del, p.Thr320fs (NM_004572.4); short protein forms T320fs.
Identifiers: ClinVar variation 2092547 (VCV002092547.4), dbSNP rs2541338115, ClinGen allele CA2580085410.

ClinVar aggregate classification (germline): Pathogenic (1 of 4 stars; one submission).

Conditions:
Arrhythmogenic right ventricular dysplasia 9 (ARVD9). Also called: Arrhythmogenic Right Ventricular Dysplasia/Cardiomyopathy 9; ARRHYTHMOGENIC RIGHT VENTRICULAR DYSPLASIA, FAMILIAL, 9. Identifiers: MedGen C1836906, MONDO:0012180, OMIM 609040.

Submission:

Labcorp Genetics (formerly Invitae), Labcorp
Classification: Pathogenic for Arrhythmogenic right ventricular dysplasia 9. Last evaluated: 2022-02-03. Review status: criteria provided, single submitter. Criteria: Invitae Variant Classification Sherloc (09022015). Collection method: clinical testing. Allele origin: germline.
Comment: For these reasons, this variant has been classified as Pathogenic. This variant has not been reported in the literature in individuals affected with PKP2-related conditions. This variant is not present in population databases (gnomAD no frequency). This sequence change creates a premature translational stop signal (p.Thr320Glyfs*25) in the PKP2 gene. It is expected to result in an absent or disrupted protein product. Loss-of-function variants in PKP2 are known to be pathogenic (PMID: 15489853, 23911551).

Literature cited by the submitters: PubMed 15489853; PubMed 23911551.